The following is an entry in ClinVar:

ClinVar aggregate classification (germline): Uncertain significance (1 of 4 stars; one submission).

Conditions:
Disseminated atypical mycobacterial infection. Identifiers: MedGen C0694566.

Allele frequency attached by ClinVar (database versions not stated): TOPMed 0.00002.
gnomAD v4.1: 1 of 1,614,018 alleles (0.000062%); highest among the groups gnomAD compares: African/African-American, 0.0013%; no homozygotes.

Submission:

Labcorp Genetics (formerly Invitae), Labcorp
Classification: Uncertain significance for Disseminated atypical mycobacterial infection. Last evaluated: 2022-07-11. Review status: criteria provided, single submitter. Criteria: Invitae Variant Classification Sherloc (09022015). Collection method: clinical testing. Allele origin: germline.
Comment: This sequence change replaces serine, which is neutral and polar, with cysteine, which is neutral and slightly polar, at codon 485 of the IFNGR1 protein (p.Ser485Cys). In summary, the available evidence is currently insufficient to determine the role of this variant in disease. Therefore, it has been classified as a Variant of Uncertain Significance. Algorithms developed to predict the effect of missense changes on protein structure and function are either unavailable or do not agree on the potential impact of this missense change (SIFT: "Deleterious"; PolyPhen-2: "Probably Damaging"; Align-GVGD: "Class C0"). This variant has not been reported in the literature in individuals affected with IFNGR1-related conditions. This variant is present in population databases (no rsID available, gnomAD 0.007%).

NM_000416.3(IFNGR1):c.1454C>G (p.Ser485Cys)

Gene: IFNGR1 (interferon gamma receptor 1; minus strand). Cytogenetic location: 6q23.3.
Variant type: single nucleotide variant.
Coding change: c.1454C>G on transcript NM_000416.3 (MANE Select); coding-DNA position 1454, C replaced by G.
Protein change: p.Ser485Cys; replaces serine 485 with cysteine.
Molecular consequence: missense variant.
Genome position (GRCh38, 1-based): chr6:137,198,047, G>C on the plus strand (C>G on the coding strand, the complement: IFNGR1 is on the minus strand). VCF-style: chr6-137198047-G-C. GRCh37 (hg19) VCF-style: chr6-137519184-G-C.
Other names: c.1424C>G, p.Ser475Cys (NM_001363526.1); c.1331C>G, p.Ser444Cys (NM_001363527.1); short protein forms S444C, S475C, S485C.
Identifiers: ClinVar variation 1969214 (VCV001969214.5), dbSNP rs752113778, ClinGen allele CA365771657.
Genomic context (GRCh38, chr6:137,198,047, plus strand): 5'-GTCCAGGAAAATCAGACTTCAAAGTTGGTGCAACTTAGCTGATCTCATGAAAATTCTTTG[G>C]AATCTTCTGTTGGTCTATAACCAATCAAGGACTCTTTACCGCTATCATCCACAAGTAGAT-3'
Protein context (NP_000407.1, residues 475-489): SLIGYRPTED[Ser485Cys]KEFS